The following is an entry in ClinVar:

NM_001040142.2(SCN2A):c.70G>A (p.Ala24Thr)

Gene: SCN2A (sodium voltage-gated channel alpha subunit 2; plus strand). Cytogenetic location: 2q24.3.
Variant type: single nucleotide variant.
Coding change: c.70G>A on transcript NM_001040142.2 (MANE Select); coding-DNA position 70, G replaced by A.
Protein change: p.Ala24Thr; replaces alanine 24 with threonine.
Molecular consequence: missense variant.
Genome position (GRCh38, 1-based): chr2:165,295,893, G>A. VCF-style: chr2-165295893-G-A. GRCh37 (hg19) VCF-style: chr2-166152403-G-A.
Other names: p.A24T:GCT>ACT; c.70G>A, p.Ala24Thr (NM_001040143.2, NM_001371246.1, NM_001371247.1 and 1 more transcripts); short protein forms A24T.
Identifiers: ClinVar variation 207032 (VCV000207032.50), dbSNP rs527452801, ClinGen allele CA318057.
Genomic context (GRCh38, chr2:165,295,893, plus strand): 5'-TCAGTGCTGGTACCGCCAGGACCTGACAGCTTCCGCTTCTTTACCAGGGAATCCCTTGCT[G>A]CTATTGAACAACGCATTGCAGAAGAGAAAGCTAAGAGACCCAAACAGGAACGCAAGGATG-3'
Protein context (NP_001035232.1, residues 14-34): FRFFTRESLA[Ala24Thr]IEQRIAEEKA

ClinVar aggregate classification (germline): Benign/Likely benign. Review status: criteria provided, multiple submitters, no conflicts (2 of 4 stars). 7 submissions from 7 submitters: Benign (3); Likely benign (4). Last evaluated 2025-12-16.

Conditions:
SCN2A-related disorder. Also called: SCN2A-related condition; SCN2A-related disorders. Identifiers: MedGen CN382226, MONDO:1060245.
Inborn genetic diseases. Identifiers: MedGen C0950123, MeSH D030342.
Developmental and epileptic encephalopathy, 11 (DEE11). Also called: Early infantile epileptic encephalopathy 11. Identifiers: Orphanet 1934, MedGen C3150987, MONDO:0013388, OMIM 613721.
Seizures, benign familial infantile, 3 (BFIS3). Also called: CONVULSIONS, BENIGN FAMILIAL INFANTILE, 3; Familial neonatal seizures. Identifiers: Orphanet 140927, Orphanet 306, MedGen C1843140, MONDO:0011904, OMIM 607745.

Allele frequency attached by ClinVar (database versions not stated): gnomAD below 0.00001 and 0.00011; TOPMed 0.00001; gnomAD exomes 0.00020 and 0.00043; ExAC 0.00045; 1000 Genomes Project 30x 0.00078; 1000 Genomes Project 0.00100.

Submissions (7):

Labcorp Genetics (formerly Invitae), Labcorp
Classification: Benign for Seizures, benign familial infantile, 3; Developmental and epileptic encephalopathy, 11. Last evaluated: 2025-12-16. Review status: criteria provided, single submitter. Criteria: Invitae Variant Classification Sherloc (09022015). Collection method: clinical testing. Allele origin: germline.

CeGaT Center for Human Genetics Tuebingen
Classification: Likely benign. Last evaluated: 2025-05-01. Review status: criteria provided, single submitter. Criteria: CeGaT Center For Human Genetics Tuebingen Variant Classification Criteria Version 2. Collection method: clinical testing. Allele origin: germline. Affected: yes. Observed: 3 variant alleles.
Comment: SCN2A: BS1

PreventionGenetics, part of Exact Sciences
Classification: Likely benign for SCN2A-related condition. Last evaluated: 2024-12-05. Review status: criteria provided, single submitter. Criteria: ACMG Guidelines, 2015. Collection method: clinical testing. Allele origin: germline.
Comment: This variant is classified as likely benign based on ACMG/AMP sequence variant interpretation guidelines (Richards et al. 2015 PMID: 25741868, with internal and published modifications).

Blueprint Genetics
Classification: Likely benign. Last evaluated: 2023-09-20. Review status: criteria provided, single submitter. Criteria: ACMG Guidelines, 2015. Collection method: clinical testing. Allele origin: germline.

GeneDx
Classification: Benign. Last evaluated: 2020-06-01. Review status: criteria provided, single submitter. Criteria: GeneDx Variant Classification Process June 2021. Collection method: clinical testing. Allele origin: germline. Affected: yes.

Athena Diagnostics
Classification: Benign. Last evaluated: 2018-02-28. Review status: criteria provided, single submitter. Criteria: Athena Diagnostics Criteria. Collection method: clinical testing. Allele origin: germline.

Ambry Genetics
Classification: Likely benign for Inborn genetic diseases. Last evaluated: 2016-12-09. Review status: criteria provided, single submitter. Criteria: Ambry Variant Classification Scheme 2023. Collection method: clinical testing. Allele origin: germline.